The following is an entry in ClinVar:

ClinVar aggregate classification (germline): Uncertain significance (1 of 4 stars; one submission).

Conditions:
Inborn genetic diseases. Identifiers: MedGen C0950123, MeSH D030342.

Submission:

Ambry Genetics
Classification: Uncertain significance for Inborn genetic diseases. Last evaluated: 2025-02-03. Review status: criteria provided, single submitter. Criteria: Ambry Variant Classification Scheme 2023. Collection method: clinical testing. Allele origin: germline.
Comment: The p.M308V variant (also known as c.922A>G), located in coding exon 5 of the ERCC6L2 gene, results from an A to G substitution at nucleotide position 922. The methionine at codon 308 is replaced by valine, an amino acid with highly similar properties. This amino acid position is conserved. In addition, this alteration is predicted to be deleterious by in silico analysis. Based on the available evidence, the clinical significance of this variant remains unclear.

NM_020207.7(ERCC6L2):c.922A>G (p.Met308Val)

Gene: ERCC6L2 (ERCC excision repair 6 like 2; plus strand). Cytogenetic location: 9q22.32.
Variant type: single nucleotide variant.
Coding change: c.922A>G on transcript NM_020207.7 (MANE Select); coding-DNA position 922, A replaced by G.
Protein change: p.Met308Val; replaces methionine 308 with valine.
Molecular consequence: missense variant. On other transcripts: non-coding transcript variant (1).
Genome position (GRCh38, 1-based): chr9:95,915,801, A>G. VCF-style: chr9-95915801-A-G. GRCh37 (hg19) VCF-style: chr9-98678083-A-G.
Other names: c.922A>G, p.Met308Val (NM_001010895.4, NM_001375291.1, NM_001375292.1 and 2 more transcripts); short protein forms M308V.
Identifiers: ClinVar variation 3845913 (VCV003845913.1).
Genomic context (GRCh38, chr9:95,915,801, plus strand): 5'-ATGAAAGCTTTGAAATGTAATGTCCGCATTGGCCTCACTGGAACCATCCTTCAGAACAAC[A>G]TGAAGGAACTGTGGTGTGTTATGGACTGGTGAGAGAAAACACTTTTTAAAAAATTGTTTA-3'
Protein context (NP_064592.3, residues 298-318): GLTGTILQNN[Met308Val]KELWCVMDWA